The following is an entry in ClinVar:

ClinVar aggregate classification (germline): Uncertain significance. Review status: criteria provided, single submitter (1 of 4 stars). 2 submissions from 2 submitters: Uncertain significance (1). 1 of the submissions does not count toward it. Last evaluated 2021-09-01.

Conditions:
Usher syndrome type 2A. Also called: RETINAL DISEASE IN USHER SYNDROME TYPE IIA, MODIFIER OF; USHER SYNDROME, TYPE IIA. Identifiers: Orphanet 231178, Orphanet 886, MedGen C1848634, MONDO:0010169, OMIM 276901.

Allele frequency attached by ClinVar (database versions not stated): gnomAD exomes below 0.00001.
gnomAD v4.1: 2 of 1,613,526 alleles (0.00012%); highest among the groups gnomAD compares: East Asian, 0.0022%; no homozygotes.

Submissions (2):

Labcorp Genetics (formerly Invitae), Labcorp
Classification: Uncertain significance. Last evaluated: 2021-09-01. Review status: criteria provided, single submitter. Criteria: Invitae Variant Classification Sherloc (09022015). Collection method: clinical testing. Allele origin: germline.
Comment: This sequence change replaces serine with leucine at codon 300 of the USH2A protein (p.Ser300Leu). The serine residue is highly conserved and there is a large physicochemical difference between serine and leucine. This variant is not present in population databases (ExAC no frequency). This variant has not been reported in the literature in individuals affected with USH2A-related conditions. Algorithms developed to predict the effect of missense changes on protein structure and function are either unavailable or do not agree on the potential impact of this missense change (SIFT: "Deleterious"; PolyPhen-2: "Possibly Damaging"; Align-GVGD: "Class C0"). In summary, the available evidence is currently insufficient to determine the role of this variant in disease. Therefore, it has been classified as a Variant of Uncertain Significance.

Natera, Inc.
Classification: Uncertain significance for Usher syndrome type 2A. Last evaluated: 2020-02-26. Review status: no assertion criteria provided. Collection method: clinical testing. Allele origin: germline. Not counted in ClinVar's aggregate classification.

NM_206933.4(USH2A):c.899C>T (p.Ser300Leu)

Gene: USH2A (usherin; minus strand). Cytogenetic location: 1q41.
Variant type: single nucleotide variant.
Coding change: c.899C>T on transcript NM_206933.4 (MANE Select); coding-DNA position 899, C replaced by T.
Protein change: p.Ser300Leu; replaces serine 300 with leucine.
Molecular consequence: missense variant.
Genome position (GRCh38, 1-based): chr1:216,325,549, G>A on the plus strand (C>T on the coding strand, the complement: USH2A is on the minus strand). VCF-style: chr1-216325549-G-A. GRCh37 (hg19) VCF-style: chr1-216498891-G-A.
Other names: c.899C>T, p.Ser300Leu (NM_007123.6); short protein forms S300L.
Identifiers: ClinVar variation 965505 (VCV000965505.8), dbSNP rs2037715022, ClinGen allele CA344912674.